The following is an entry in ClinVar:

ClinVar aggregate classification (germline): Uncertain significance (1 of 4 stars; one submission).

Conditions:
Cardiomyopathy (CMYO). Also called: Cardiomyopathies. Identifiers: Orphanet 167848, MedGen C0878544, MONDO:0004994, HP:0001638. Inheritance: Various modes of inheritance.

Submission:

Color Diagnostics, LLC DBA Color Health
Classification: Uncertain significance for Cardiomyopathy. Last evaluated: 2024-03-07. Review status: criteria provided, single submitter. Criteria: ACMG Guidelines, 2015. Collection method: clinical testing. Allele origin: germline.
Comment: This missense variant replaces alanine with serine at codon 181 of the MYBPC3 protein. Computational prediction is inconclusive regarding the impact of this variant on protein structure and function (internally defined REVEL score threshold 0.5 < inconclusive < 0.7, PMID: 27666373). To our knowledge, functional studies have not been reported for this variant. This variant has not been reported in individuals affected with cardiovascular disorders in the literature. This variant has not been identified in the general population by the Genome Aggregation Database (gnomAD). The available evidence is insufficient to determine the role of this variant in disease conclusively. Therefore, this variant is classified as a Variant of Uncertain Significance.

NM_000256.3(MYBPC3):c.541G>T (p.Ala181Ser)

Gene: MYBPC3 (myosin binding protein C3; minus strand). Cytogenetic location: 11p11.2.
Variant type: single nucleotide variant.
Coding change: c.541G>T on transcript NM_000256.3 (MANE Select); coding-DNA position 541, G replaced by T.
Protein change: p.Ala181Ser; replaces alanine 181 with serine.
Molecular consequence: missense variant.
Genome position (GRCh38, 1-based): chr11:47,349,887, C>A on the plus strand (G>T on the coding strand, the complement: MYBPC3 is on the minus strand). VCF-style: chr11-47349887-C-A. GRCh37 (hg19) VCF-style: chr11-47371438-C-A.
Other names: short protein forms A181S.
Identifiers: ClinVar variation 922659 (VCV000922659.4), dbSNP rs773646282, ClinGen allele CA380338051.
Genomic context (GRCh38, chr11:47,349,887, plus strand): 5'-TGCTCAGGTCCACCCATTTGCCCTTGAACCACTTGACCACAGGCGGCTTCAGGAGGCTGG[C>A]GCCGGCCACGCGGGCTGAGAAGGTGATGCTGCCACCTGCAAAGGCAGGGGCGACAGGCCC-3'
Protein context (NP_000247.2, residues 171-191): SITFSARVAG[Ala181Ser]SLLKPPVVKW